The following is an entry in ClinVar:

ClinVar aggregate classification (germline): Pathogenic (1 of 4 stars; one submission).

Conditions:
Salla disease (SD). Also called: Sialuria, Finnish type; N-acetylneuraminic acid (NANA) storage disease (NSD); Infantile sialic acid storage disorder (ISSD); Less Severe FSASD (Salla Disease). Identifiers: Orphanet 309334, Orphanet 834, MedGen C1096903, MONDO:0011449, OMIM 604369.

Submission:

Labcorp Genetics (formerly Invitae), Labcorp
Classification: Pathogenic for Salla disease. Last evaluated: 2021-06-24. Review status: criteria provided, single submitter. Criteria: Invitae Variant Classification Sherloc (09022015). Collection method: clinical testing. Allele origin: germline.
Comment: This sequence change creates a premature translational stop signal (p.Glu326*) in the SLC17A5 gene. It is expected to result in an absent or disrupted protein product. For these reasons, this variant has been classified as Pathogenic. This variant is not present in population databases (ExAC no frequency). Loss-of-function variants in SLC17A5 are known to be pathogenic (PMID: 10581036, 10947946, 15172001). This variant has not been reported in the literature in individuals with SLC17A5-related conditions.

Literature cited by the submitters: PubMed 10581036; PubMed 10947946; PubMed 15172001.

NM_012434.5(SLC17A5):c.976G>T (p.Glu326Ter)

Gene: SLC17A5 (solute carrier family 17 member 5; minus strand). Cytogenetic location: 6q13.
Variant type: single nucleotide variant.
Coding change: c.976G>T on transcript NM_012434.5 (MANE Select); coding-DNA position 976, G replaced by T.
Protein change: p.Glu326Ter; replaces glutamic acid 326 with a stop codon.
Molecular consequence: nonsense. On other transcripts: intron variant (1).
Genome position (GRCh38, 1-based): chr6:73,621,806, C>A on the plus strand (G>T on the coding strand, the complement: SLC17A5 is on the minus strand). VCF-style: chr6-73621806-C-A. GRCh37 (hg19) VCF-style: chr6-74331529-C-A.
Other names: c.745G>T, p.Glu249Ter (NM_001382629.1); c.976G>T, p.Glu326Ter (NM_001382630.1, NM_001382633.1); c.997G>T, p.Glu333Ter (NM_001382631.1); c.889G>T, p.Glu297Ter (NM_001382632.1); c.973G>T, p.Glu325Ter (NM_001382635.1); c.658G>T, p.Glu220Ter (NM_001382636.1); c.820-6359G>T (NM_001382634.1); short protein forms E220*, E249*, E297*, E325*, E326*, E333*.
Identifiers: ClinVar variation 1075886 (VCV001075886.7), dbSNP rs745386414, ClinGen allele CA364713169.
Genomic context (GRCh38, chr6:73,621,806, plus strand): 5'-AATTCTGTGTATGGTCTTATACTATATATATAAGAAGCAGATGATTATTTTTTCTTACCT[C>A]TTGAACATTGAACCTTAGGATCTCCTTCATATAAGTAGGCAATAATGTCAATAAAGTATA-3'